The following is an entry in ClinVar:

ClinVar aggregate classification (germline): Uncertain significance. Review status: criteria provided, multiple submitters, no conflicts (2 of 4 stars). 2 submissions from 2 submitters: Uncertain significance (2). Last evaluated 2025-08-26.

Allele frequency attached by ClinVar (database versions not stated): gnomAD exomes below 0.00001 and 0.00001; gnomAD 0.00001; TOPMed 0.00001.
gnomAD v4.1: 10 of 1,613,268 alleles (0.00062%); highest among the groups gnomAD compares: Non-Finnish European, 0.00085%; no homozygotes.

Submissions (2):

Ambry Genetics
Classification: Uncertain significance. Last evaluated: 2025-08-26. Review status: criteria provided, single submitter. Criteria: Ambry Variant Classification Scheme 2023. Collection method: clinical testing. Allele origin: germline.

Labcorp Genetics (formerly Invitae), Labcorp
Classification: Uncertain significance. Last evaluated: 2024-09-17. Review status: criteria provided, single submitter. Criteria: Invitae Variant Classification Sherloc (09022015). Collection method: clinical testing. Allele origin: germline.
Comment: This sequence change replaces alanine, which is neutral and non-polar, with valine, which is neutral and non-polar, at codon 763 of the RINT1 protein (p.Ala763Val). This variant is present in population databases (no rsID available, gnomAD 0.0009%). This variant has not been reported in the literature in individuals affected with RINT1-related conditions. ClinVar contains an entry for this variant (Variation ID: 1477772). An algorithm developed to predict the effect of missense changes on protein structure and function (PolyPhen-2) suggests that this variant is likely to be tolerated. In summary, the available evidence is currently insufficient to determine the role of this variant in disease. Therefore, it has been classified as a Variant of Uncertain Significance.

NM_021930.6(RINT1):c.2288C>T (p.Ala763Val)

Genes: EFCAB10 (EF-hand calcium binding domain 10; minus strand), RINT1 (RAD50 interactor 1; plus strand). Cytogenetic location: 7q22.3.
Variant type: single nucleotide variant.
Coding change: c.2288C>T on transcript NM_021930.6 (MANE Select); coding-DNA position 2288, C replaced by T.
Protein change: p.Ala763Val; replaces alanine 763 with valine.
Molecular consequence: missense variant. On other transcripts: 3 prime UTR variant (2), non-coding transcript variant (1), intron variant (3).
Genome position (GRCh38, 1-based): chr7:105,567,220, C>T. VCF-style: chr7-105567220-C-T. GRCh37 (hg19) VCF-style: chr7-105207667-C-T.
Other names: c.*234G>A (NM_001355527.2, NM_001355529.2); c.2054C>T, p.Ala685Val (NM_001346599.2); c.1265C>T, p.Ala422Val (NM_001346600.2, NM_001346603.2); c.1364C>T, p.Ala455Val (NM_001346601.2); c.360-1773G>A (NM_001355531.2); c.383+247G>A (NM_001355526.2, NM_001355530.2); short protein forms A455V, A685V, A763V, A422V.
Identifiers: ClinVar variation 1477772 (VCV001477772.11), dbSNP rs1450417616, ClinGen allele CA368815560.